The following is an entry in ClinVar:

ClinVar aggregate classification (germline): Uncertain significance (1 of 4 stars; one submission).

Allele frequency attached by ClinVar (database versions not stated): gnomAD 0.00013 and 0.00014; gnomAD exomes 0.00002 and 0.00005; ExAC 0.00005; ESP Exome Variant Server 0.00008; TOPMed 0.00016.
gnomAD v4.1: 67 of 1,614,076 alleles (0.0042%); highest among the groups gnomAD compares: African/African-American, 0.065%; 1 homozygote.

Submission:

Labcorp Genetics (formerly Invitae), Labcorp
Classification: Uncertain significance. Last evaluated: 2022-08-23. Review status: criteria provided, single submitter. Criteria: Invitae Variant Classification Sherloc (09022015). Collection method: clinical testing. Allele origin: germline.
Comment: This sequence change replaces alanine, which is neutral and non-polar, with serine, which is neutral and polar, at codon 220 of the EXTL3 protein (p.Ala220Ser). This variant is present in population databases (rs139144293, gnomAD 0.05%). This variant has not been reported in the literature in individuals affected with EXTL3-related conditions. ClinVar contains an entry for this variant (Variation ID: 1006314). Algorithms developed to predict the effect of missense changes on protein structure and function (SIFT, PolyPhen-2, Align-GVGD) all suggest that this variant is likely to be tolerated. In summary, the available evidence is currently insufficient to determine the role of this variant in disease. Therefore, it has been classified as a Variant of Uncertain Significance.

NM_001440.4(EXTL3):c.658G>T (p.Ala220Ser)

Gene: EXTL3 (exostosin like glycosyltransferase 3; plus strand). Cytogenetic location: 8p21.1.
Variant type: single nucleotide variant.
Coding change: c.658G>T on transcript NM_001440.4 (MANE Select); coding-DNA position 658, G replaced by T.
Protein change: p.Ala220Ser; replaces alanine 220 with serine.
Molecular consequence: missense variant.
Genome position (GRCh38, 1-based): chr8:28,716,717, G>T. VCF-style: chr8-28716717-G-T. GRCh37 (hg19) VCF-style: chr8-28574234-G-T.
Other names: short protein forms A220S.
Identifiers: ClinVar variation 1006314 (VCV001006314.2), dbSNP rs139144293, ClinGen allele CA4696038.